The following is an entry in ClinVar:

ClinVar aggregate classification (germline): Uncertain significance. Review status: criteria provided, multiple submitters, no conflicts (2 of 4 stars). 3 submissions from 3 submitters: Uncertain significance (2). 1 of the submissions does not count toward it. Last evaluated 2025-08-09.

Conditions:
Congenital myasthenic syndrome 11. Also called: MYASTHENIC SYNDROME, CONGENITAL, Ie; Myasthenic syndrome, congenital, 11, associated with acetylcholine receptor deficiency. Identifiers: Orphanet 590, MedGen C4225367, MONDO:0014588, OMIM 616326.
Fetal akinesia deformation sequence 1 (FADS1). Also called: Fetal akinesia sequence; Pena-Shokeir syndrome type I. Identifiers: Orphanet 994, MedGen C1276035, MONDO:0100101, OMIM 208150, HP:0001989.
Inborn genetic diseases. Identifiers: MedGen C0950123, MeSH D030342.
Congenital myasthenic syndrome (CMS). Also called: Congenital Myasthenic Syndromes. Identifiers: Orphanet 590, MedGen C0751882, MeSH D020294, MONDO:0018940.

Allele frequency attached by ClinVar (database versions not stated): TOPMed 0.00002.
gnomAD v4.1: 7 of 1,562,326 alleles (0.00045%); highest among the groups gnomAD compares: African/African-American, 0.0095%; no homozygotes.

Submissions (3):

Ambry Genetics
Classification: Uncertain significance for Inborn genetic diseases. Last evaluated: 2025-08-09. Review status: criteria provided, single submitter. Criteria: Ambry Variant Classification Scheme 2023. Collection method: clinical testing. Allele origin: germline.

Labcorp Genetics (formerly Invitae), Labcorp
Classification: Uncertain significance for Congenital myasthenic syndrome 11; Fetal akinesia deformation sequence 1. Last evaluated: 2023-10-13. Review status: criteria provided, single submitter. Criteria: Invitae Variant Classification Sherloc (09022015). Collection method: clinical testing. Allele origin: germline.
Comment: This sequence change replaces serine, which is neutral and polar, with arginine, which is basic and polar, at codon 332 of the RAPSN protein (p.Ser332Arg). This variant is not present in population databases (gnomAD no frequency). This variant has not been reported in the literature in individuals affected with RAPSN-related conditions. ClinVar contains an entry for this variant (Variation ID: 990462). Advanced modeling of protein sequence and biophysical properties (such as structural, functional, and spatial information, amino acid conservation, physicochemical variation, residue mobility, and thermodynamic stability) performed at Invitae indicates that this missense variant is not expected to disrupt RAPSN protein function. In summary, the available evidence is currently insufficient to determine the role of this variant in disease. Therefore, it has been classified as a Variant of Uncertain Significance.

Natera, Inc.
Classification: Uncertain significance for Congenital myasthenic syndrome. Last evaluated: 2020-08-14. Review status: no assertion criteria provided. Collection method: clinical testing. Allele origin: germline. Not counted in ClinVar's aggregate classification.

NM_005055.5(RAPSN):c.996C>G (p.Ser332Arg)

Gene: RAPSN (receptor associated protein of the synapse; minus strand). Cytogenetic location: 11p11.2.
Variant type: single nucleotide variant.
Coding change: c.996C>G on transcript NM_005055.5 (MANE Select); coding-DNA position 996, C replaced by G.
Protein change: p.Ser332Arg; replaces serine 332 with arginine.
Molecular consequence: missense variant.
Genome position (GRCh38, 1-based): chr11:47,438,902, G>C on the plus strand (C>G on the coding strand, the complement: RAPSN is on the minus strand). VCF-style: chr11-47438902-G-C. GRCh37 (hg19) VCF-style: chr11-47460453-G-C.
Other names: c.819C>G, p.Ser273Arg (NM_032645.5); c.996C>G (NM_005055.4); short protein forms S273R, S332R.
Identifiers: ClinVar variation 990462 (VCV000990462.7), dbSNP rs1013180221, ClinGen allele CA221714195.